The following is an entry in ClinVar:

NM_001369268.1(ACAN):c.1529_1534del (p.Pro510_Glu511del)

Gene: ACAN (aggrecan; plus strand). Cytogenetic location: 15q26.1.
Variant type: Deletion.
Coding change: c.1529_1534del on transcript NM_001369268.1 (MANE Select); coding-DNA positions 1529 to 1534, 6 bases deleted (CGGAGC; older notation c.1529_1534delCGGAGC).
Protein change: p.Pro510_Glu511del.
Molecular consequence: inframe deletion.
Genome position (GRCh38, 1-based): chr15:88,847,342-88,847,347, CGGAGC deleted; deleting any 6 consecutive bases within chr15:88,847,340-88,847,347 gives the same sequence; the c. name uses the placement nearest the transcript's 3' end. VCF-style (leftmost placement, unchanged base first): chr15-88847339-CGCCGGA-C. GRCh37 (hg19) VCF-style: chr15-89390570-CGCCGGA-C.
Other names: c.1529_1534del, p.Pro510_Glu511del (NM_001135.4, NM_001411096.1, NM_001411097.1 and 1 more transcripts).
Identifiers: ClinVar variation 4720577 (VCV004720577.1).

ClinVar aggregate classification (germline): Uncertain significance (1 of 4 stars; one submission).

Submission:

Labcorp Genetics (formerly Invitae), Labcorp
Classification: Uncertain significance. Last evaluated: 2025-08-06. Review status: criteria provided, single submitter. Criteria: Invitae Variant Classification Sherloc (09022015). Collection method: clinical testing. Allele origin: germline.
Comment: This variant, c.1529_1534del, results in the deletion of 2 amino acid(s) of the ACAN protein (p.Pro510_Glu511del), but otherwise preserves the integrity of the reading frame. This variant is not present in population databases (gnomAD no frequency). This variant has not been reported in the literature in individuals affected with ACAN-related conditions. Experimental studies and prediction algorithms are not available or were not evaluated, and the functional significance of this variant is currently unknown. In summary, the available evidence is currently insufficient to determine the role of this variant in disease. Therefore, it has been classified as a Variant of Uncertain Significance.